The following is an entry in ClinVar:

NM_001378452.1(ITPR1):c.3958A>G (p.Lys1320Glu)

Gene: ITPR1 (inositol 1,4,5-trisphosphate receptor type 1; plus strand). Cytogenetic location: 3p26.1.
Variant type: single nucleotide variant.
Coding change: c.3958A>G on transcript NM_001378452.1 (MANE Select); coding-DNA position 3958, A replaced by G.
Protein change: p.Lys1320Glu; replaces lysine 1320 with glutamic acid.
Molecular consequence: missense variant.
Genome position (GRCh38, 1-based): chr3:4,691,273, A>G. VCF-style: chr3-4691273-A-G. GRCh37 (hg19) VCF-style: chr3-4732957-A-G.
Other names: c.3931A>G, p.Lys1311Glu (NM_001099952.4); c.3913A>G, p.Lys1305Glu (NM_001168272.2); c.3886A>G, p.Lys1296Glu (NM_002222.7); short protein forms K1311E, K1296E, K1305E, K1320E.
Identifiers: ClinVar variation 3687443 (VCV003687443.2).
Genomic context (GRCh38, chr3:4,691,273, plus strand): 5'-AGAGTTGTTCAGCACTTCGTTCACTGCATAGAGACTCACGGTCGGAATGTCCAGTATATA[A>G]AGTTCTTACAGACAATTGTCAAGGCAGAAGGGAAATTTATTAAAAAATGCCAAGACATGG-3'
Protein context (NP_001365381.1, residues 1310-1330): ETHGRNVQYI[Lys1320Glu]FLQTIVKAEG

ClinVar aggregate classification (germline): Uncertain significance (1 of 4 stars; one submission).

gnomAD v4.1: 1 of 1,613,376 alleles (0.000062%); highest among the groups gnomAD compares: African/African-American, 0.0013%; no homozygotes.

Submission:

Labcorp Genetics (formerly Invitae), Labcorp
Classification: Uncertain significance. Last evaluated: 2024-09-08. Review status: criteria provided, single submitter. Criteria: Invitae Variant Classification Sherloc (09022015). Collection method: clinical testing. Allele origin: germline.
Comment: This sequence change replaces lysine, which is basic and polar, with glutamic acid, which is acidic and polar, at codon 1296 of the ITPR1 protein (p.Lys1296Glu). This variant is not present in population databases (gnomAD no frequency). This variant has not been reported in the literature in individuals affected with ITPR1-related conditions. Invitae Evidence Modeling of protein sequence and biophysical properties (such as structural, functional, and spatial information, amino acid conservation, physicochemical variation, residue mobility, and thermodynamic stability) indicates that this missense variant is not expected to disrupt ITPR1 protein function with a negative predictive value of 95%. In summary, the available evidence is currently insufficient to determine the role of this variant in disease. Therefore, it has been classified as a Variant of Uncertain Significance.